The following is an entry in ClinVar:

ClinVar aggregate classification (germline): Pathogenic. Review status: criteria provided, multiple submitters, no conflicts (2 of 4 stars). 2 submissions from 2 submitters: Pathogenic (2). Last evaluated 2025-06-14.

Conditions:
Cardiovascular phenotype. Identifiers: MedGen CN230736.
Hypertrophic cardiomyopathy. Also called: HYPERTROPHIC MYOCARDIOPATHY. Identifiers: Orphanet 217569, MedGen C0007194, MeSH D002312, MONDO:0005045, HP:0001639.

Submissions (2):

Labcorp Genetics (formerly Invitae), Labcorp
Classification: Pathogenic for Hypertrophic cardiomyopathy. Last evaluated: 2025-06-14. Review status: criteria provided, single submitter. Criteria: Invitae Variant Classification Sherloc (09022015). Collection method: clinical testing. Allele origin: germline.
Comment: This sequence change creates a premature translational stop signal (p.Gly263*) in the MYBPC3 gene. It is expected to result in an absent or disrupted protein product. Loss-of-function variants in MYBPC3 are known to be pathogenic (PMID: 19574547). This variant is not present in population databases (gnomAD no frequency). This premature translational stop signal has been observed in individual(s) with hypertrophic cardiomyopathy (PMID: 19150014, 22765922, 29631964). ClinVar contains an entry for this variant (Variation ID: 1460339). Algorithms developed to predict the effect of sequence changes on RNA splicing suggest that this variant may disrupt the consensus splice site. For these reasons, this variant has been classified as Pathogenic.

Ambry Genetics
Classification: Pathogenic for Cardiovascular phenotype. Last evaluated: 2020-10-09. Review status: criteria provided, single submitter. Criteria: Ambry Variant Classification Scheme 2023. Collection method: clinical testing. Allele origin: germline.
Comment: The p.G263* pathogenic mutation (also known as c.787G>T), located in coding exon 7 of the MYBPC3 gene, results from a G to T substitution at nucleotide position 787. This changes the amino acid from a glycine to a stop codon within coding exon 7. This variant has been detected in probands with hypertrophic cardiomyopathy, and has been reported as a common mutation in Spain (Garc&iacute;a-Castro M et al. Rev Esp Cardiol. 2009 Jan;62:48-56; G&oacute;mez J et al. Circ Cardiovasc Genet. 2017 Apr;10(2); Lorca R et al. J Clin Med. 2020 Aug;9(8)). In addition to the clinical data presented in the literature, this alteration is expected to result in loss of function by premature protein truncation or nonsense-mediated mRNA decay. As such, this alteration is interpreted as a disease-causing mutation.

Literature cited by the submitters: PubMed 19574547 (cited by Labcorp Genetics (formerly Invitae), Labcorp); PubMed 19150014 (cited by Labcorp Genetics (formerly Invitae), Labcorp and Ambry Genetics); PubMed 22765922 (cited by Labcorp Genetics (formerly Invitae), Labcorp); PubMed 29631964 (cited by Labcorp Genetics (formerly Invitae), Labcorp); PubMed 28356264 (cited by Ambry Genetics); PubMed 32764337 (cited by Ambry Genetics).

NM_000256.3(MYBPC3):c.787G>T (p.Gly263Ter)

Gene: MYBPC3 (myosin binding protein C3; minus strand). Cytogenetic location: 11p11.2.
Variant type: single nucleotide variant.
Coding change: c.787G>T on transcript NM_000256.3 (MANE Select); coding-DNA position 787, G replaced by T.
Protein change: p.Gly263Ter; replaces glycine 263 with a stop codon.
Molecular consequence: nonsense.
Genome position (GRCh38, 1-based): chr11:47,347,891, C>A on the plus strand (G>T on the coding strand, the complement: MYBPC3 is on the minus strand). VCF-style: chr11-47347891-C-A. GRCh37 (hg19) VCF-style: chr11-47369442-C-A.
Other names: short protein forms G263*.
Identifiers: ClinVar variation 1460339 (VCV001460339.8), dbSNP rs373730381, ClinGen allele CA380333920.